The following is an entry in ClinVar:

NM_000492.4(CFTR):c.1630G>A (p.Gly544Ser)

Genes: CFTR (CF transmembrane conductance regulator; plus strand), LOC111674475 (CFTR intron 11 enhancer; plus strand). Cytogenetic location: 7q31.2.
Variant type: single nucleotide variant.
Coding change: c.1630G>A on transcript NM_000492.4 (MANE Select); coding-DNA position 1630, G replaced by A.
Protein change: p.Gly544Ser; replaces glycine 544 with serine.
Molecular consequence: missense variant.
Genome position (GRCh38, 1-based): chr7:117,587,784, G>A. VCF-style: chr7-117587784-G-A. GRCh37 (hg19) VCF-style: chr7-117227838-G-A.
Other names: short protein forms G544S.
Identifiers: ClinVar variation 555335 (VCV000555335.18), dbSNP rs762224063, ClinGen allele CA4451049.

ClinVar aggregate classification (germline): Conflicting classifications of pathogenicity. Review status: criteria provided, conflicting classifications (1 of 4 stars). 9 submissions from 9 submitters: Uncertain significance (6); Likely benign (1). 2 of the submissions do not count toward it. Last evaluated 2026-05-15.

Conditions:
CFTR-related disorder (CFTR-RD). Also called: CFTR-related disorders; CFTR-related condition. Identifiers: MedGen C5924204, MONDO:7770004.
Cystic fibrosis (CF). Also called: MUCOVISCIDOSIS. Identifiers: Orphanet 586, MedGen C0010674, MONDO:0009061, OMIM 219700. Disease mechanism: loss of function.

Allele frequency attached by ClinVar (database versions not stated): gnomAD 0.00001; TOPMed 0.00001; gnomAD exomes 0.00004; ExAC 0.00007.
gnomAD v4.1: 53 of 1,612,226 alleles (0.0033%); highest among the groups gnomAD compares: South Asian, 0.035%; 1 homozygote.

Submissions (9):

Women's Health and Genetics/Laboratory Corporation of America, LabCorp
Classification: Uncertain significance. Last evaluated: 2026-05-15. Review status: criteria provided, single submitter. Criteria: LabCorp Variant Classification Summary - May 2015. Collection method: clinical testing. Allele origin: germline.
Comment: Variant summary: CFTR c.1630G>A (p.Gly544Ser) results in a non-conservative amino acid change located in the ABC transporter-like domain and AAA+ ATPase domain of the encoded protein sequence. Algorithms developed to predict the effect of missense changes on protein structure and function all suggest that this variant is likely to be disruptive. The variant allele was found at a frequency of 3.6e-05 in 251536 control chromosomes. The available data on variant occurrences in the general population are insufficient to allow any conclusion about variant significance. These reports do not provide unequivocal conclusions about association of the variant with Chronic Pancreatitis Risk. Co-occurrence with another pathogenic variant has been reported in an individual tested for pancreatitis (SPINK1 c.101A>G, p.N34S). At least one publication reports experimental evidence evaluating an impact on protein function. The most pronounced variant effect resulted in approximately 73% of normal chloride channel conductance relative to wild type (Bihler_2024). The following publications have been ascertained in the context of this evaluation (PMID: 8530001, 11168024, 20021716, 10376575, 35857025, 38388235). ClinVar contains an entry for this variant (Variation ID: 555335). Based on the evidence outlined above, the variant was classified as uncertain significance.

Johns Hopkins Genomics, Johns Hopkins University
Classification: Likely benign for Cystic fibrosis. Last evaluated: 2024-04-10. Review status: criteria provided, single submitter. Criteria: ACMG Guidelines, 2015. Collection method: clinical testing. Allele origin: germline.
Comment: PM2, BS3, BS2_supporting

Ambry Genetics
Classification: Uncertain significance for Cystic fibrosis. Last evaluated: 2023-12-04. Review status: criteria provided, single submitter. Criteria: Ambry Variant Classification Scheme 2023. Collection method: clinical testing. Allele origin: germline.
Comment: The p.G544S variant (also known as c.1630G>A), located in coding exon 12 of the CFTR gene, results from a G to A substitution at nucleotide position 1630. The glycine at codon 544 is replaced by serine, an amino acid with similar properties. This alteration was also detected as heterozygous in 1/169 oligospermic men (Gallati S et al. Reprod Biomed Online, 2009 Nov;19:685-94). This amino acid position is highly conserved in available vertebrate species. In addition, this alteration is predicted to be deleterious by in silico analysis. Based on available evidence to date, the clinical significance of this alteration remains unclear.

Blueprint Genetics
Classification: Uncertain significance. Last evaluated: 2022-12-07. Review status: criteria provided, single submitter. Criteria: ACMG Guidelines, 2015. Collection method: clinical testing. Allele origin: germline.

Genome-Nilou Lab
Classification: Uncertain significance for Cystic fibrosis. Last evaluated: 2021-09-05. Review status: criteria provided, single submitter. Criteria: ACMG Guidelines, 2015. Collection method: clinical testing. Allele origin: germline. Affected: no.

Labcorp Genetics (formerly Invitae), Labcorp
Classification: Uncertain significance for Cystic fibrosis. Last evaluated: 2021-09-01. Review status: criteria provided, single submitter. Criteria: Invitae Variant Classification Sherloc (09022015). Collection method: clinical testing. Allele origin: germline.
Comment: This sequence change replaces glycine with serine at codon 544 of the CFTR protein (p.Gly544Ser). The glycine residue is highly conserved and there is a small physicochemical difference between glycine and serine. This variant is present in population databases (rs762224063, ExAC 0.05%). This missense change has been observed in individual(s) with cystic fibrosis or infertility (PMID: 10376575, 10923036, 20021716). ClinVar contains an entry for this variant (Variation ID: 555335). Algorithms developed to predict the effect of missense changes on protein structure and function (SIFT, PolyPhen-2, Align-GVGD) all suggest that this variant is likely to be tolerated. In summary, the available evidence is currently insufficient to determine the role of this variant in disease. Therefore, it has been classified as a Variant of Uncertain Significance.

Neuberg Centre For Genomic Medicine, NCGM
Classification: Uncertain significance for Cystic fibrosis. Review status: criteria provided, single submitter. Criteria: ACMG Guidelines, 2015. Collection method: clinical testing. Allele origin: germline. Affected: yes.
Comment: The missense variant p.G544S in CFTR (NM_000492.4) has been reported previously in affected individuals with trypisinemia but no elevated sweat chloride as well as infertile men with oligospermia (Scotet V et al,Gallati S et al). The variant has been submitted to ClinVar as Uncertain Significance. The p.G544S variant is observed in an allele frequency of 0.05% in gnomAD Exomes and is novel (not in any individuals) in 1000 Genomes. The p.G544S missense variant is predicted to be damaging by both SIFT and PolyPhen2. The glycine residue at codon 544 of CFTR is conserved in all mammalian species. The nucleotide c.1630 in CFTR is predicted conserved by GERP++ and PhyloP across 100 vertebrates. For these reasons, this variant has been classified as Uncertain Significance.

Natera, Inc.
Classification: Uncertain significance for CFTR-related disorders. Last evaluated: 2018-06-13. Review status: no assertion criteria provided. Collection method: clinical testing. Allele origin: germline. Not counted in ClinVar's aggregate classification.

Counsyl
Classification: Uncertain significance for Cystic fibrosis. Last evaluated: 2017-12-07. Review status: no assertion criteria provided. Collection method: clinical testing. Allele origin: unknown. Not counted in ClinVar's aggregate classification.

Literature cited by the submitters: PubMed 8530001 (cited by 3 submitters); PubMed 11168024 (cited by Women's Health and Genetics/Laboratory Corporation of America, LabCorp and Johns Hopkins Genomics, Johns Hopkins University); PubMed 20021716 (cited by 3 submitters); PubMed 10376575 (cited by 3 submitters); PubMed 35857025 (cited by Women's Health and Genetics/Laboratory Corporation of America, LabCorp); PubMed 38388235 (cited by Women's Health and Genetics/Laboratory Corporation of America, LabCorp and Johns Hopkins Genomics, Johns Hopkins University); PubMed 10923036 (cited by 3 submitters).